The following is an entry in ClinVar:

NM_001079668.3(NKX2-1):c.613G>C (p.Glu205Gln)

Genes: SFTA3 (surfactant associated 3; minus strand), NKX2-1 (NK2 homeobox 1; minus strand). Cytogenetic location: 14q13.3.
Variant type: single nucleotide variant.
Coding change: c.613G>C on transcript NM_001079668.3 (MANE Select); coding-DNA position 613, G replaced by C.
Protein change: p.Glu205Gln; replaces glutamic acid 205 with glutamine.
Molecular consequence: missense variant.
Genome position (GRCh38, 1-based): chr14:36,517,871, C>G on the plus strand (G>C on the coding strand, the complement: NKX2-1 is on the minus strand). VCF-style: chr14-36517871-C-G. GRCh37 (hg19) VCF-style: chr14-36987076-C-G.
Other names: c.523G>C, p.Glu175Gln (NM_003317.4); short protein forms E175Q, E205Q.
Identifiers: ClinVar variation 4847614 (VCV004847614.1).

ClinVar aggregate classification (germline): Uncertain significance (1 of 4 stars; one submission).

gnomAD v4.1: 2 of 1,611,810 alleles (0.00012%); highest among the groups gnomAD compares: South Asian, 0.0011%; no homozygotes.

Submission:

Women's Health and Genetics/Laboratory Corporation of America, LabCorp
Classification: Uncertain significance. Last evaluated: 2026-03-30. Review status: criteria provided, single submitter. Criteria: LabCorp Variant Classification Summary - May 2015. Collection method: clinical testing. Allele origin: germline.
Comment: Variant summary: NKX2-1 c.613G>C (p.Glu205Gln) results in a conservative amino acid change in the encoded protein sequence. Algorithms developed to predict the effect of missense changes on protein structure and function are either unavailable or do not agree on the potential impact of this missense change. The variant allele was found at a frequency of 4.1e-06 in 244322 control chromosomes. The available data on variant occurrences in the general population are insufficient to allow any conclusion about variant significance. To our knowledge, no occurrence of c.613G>C in individuals affected with NKX2-1-related conditions and no experimental evidence demonstrating its impact on protein function have been reported. No submitters have cited clinical-significance assessments for this variant to ClinVar. Based on the evidence outlined above, the variant was classified as uncertain significance.